The following is an entry in ClinVar:

ClinVar aggregate classification (germline): Uncertain significance (1 of 4 stars; one submission).

Conditions:
Familial hypocalciuric hypercalcemia (FHH). Also called: Familial benign hypercalcemia. Identifiers: Orphanet 405, MedGen C1809471, MONDO:0018458.
Autosomal dominant hypocalcemia 1 (HYPOC1). Also called: HYPOCALCEMIA, FAMILIAL. Identifiers: MONDO:0011013, OMIM 601198, MedGen C3715128.

Allele frequency attached by ClinVar (database versions not stated): gnomAD 0.00001.
gnomAD v4.1: 1 of 1,613,884 alleles (0.000062%); highest among the groups gnomAD compares: African/African-American, 0.0013%; no homozygotes.

Submission:

Labcorp Genetics (formerly Invitae), Labcorp
Classification: Uncertain significance for Familial hypocalciuric hypercalcemia; Autosomal dominant hypocalcemia 1. Last evaluated: 2023-07-26. Review status: criteria provided, single submitter. Criteria: Invitae Variant Classification Sherloc (09022015). Collection method: clinical testing. Allele origin: germline.
Comment: ClinVar contains an entry for this variant (Variation ID: 1520283). In summary, the available evidence is currently insufficient to determine the role of this variant in disease. Therefore, it has been classified as a Variant of Uncertain Significance. An algorithm developed to predict the effect of missense changes on protein structure and function (PolyPhen-2) suggests that this variant is likely to be disruptive. This variant has not been reported in the literature in individuals affected with CASR-related conditions. This variant is present in population databases (rs749125441, gnomAD 0.007%). This sequence change replaces arginine, which is basic and polar, with glycine, which is neutral and non-polar, at codon 896 of the CASR protein (p.Arg896Gly).

NM_000388.4(CASR):c.2686C>G (p.Arg896Gly)

Gene: CASR (calcium sensing receptor; plus strand). Cytogenetic location: 3q21.1.
Variant type: single nucleotide variant.
Coding change: c.2686C>G on transcript NM_000388.4 (MANE Select); coding-DNA position 2686, C replaced by G.
Protein change: p.Arg896Gly; replaces arginine 896 with glycine.
Molecular consequence: missense variant.
Genome position (GRCh38, 1-based): chr3:122,284,640, C>G. VCF-style: chr3-122284640-C-G. GRCh37 (hg19) VCF-style: chr3-122003487-C-G.
Other names: c.2716C>G, p.Arg906Gly (NM_001178065.2); short protein forms R906G, R896G.
Identifiers: ClinVar variation 1520283 (VCV001520283.8), dbSNP rs749125441, ClinGen allele CA2569846.
Genomic context (GRCh38, chr3:122,284,640, plus strand): 5'-ACCGCAGCTCACGCTTTCAAGGTGGCTGCCCGGGCCACGCTGCGCCGCAGCAACGTCTCC[C>G]GCAAGCGGTCCAGCAGCCTTGGAGGCTCCACGGGATCCACCCCCTCCTCCTCCATCAGCA-3'
Protein context (NP_000379.3, residues 886-906): RATLRRSNVS[Arg896Gly]KRSSSLGGST